The following is an entry in ClinVar:

ClinVar aggregate classification (germline): Likely pathogenic (1 of 4 stars; one submission).

Submission:

GeneDx
Classification: Likely pathogenic. Last evaluated: 2024-08-14. Review status: criteria provided, single submitter. Criteria: GeneDx Variant Classification Process June 2021. Collection method: clinical testing. Allele origin: germline. Affected: yes.
Comment: Frameshift variant predicted to result in protein truncation or nonsense mediated decay in a gene for which loss of function is a known mechanism of disease; Not observed at significant frequency in large population cohorts (gnomAD); Has not been previously published as pathogenic or benign to our knowledge

NM_000342.4(SLC4A1):c.2299delinsCA (p.Ala767fs)

Gene: SLC4A1 (solute carrier family 4 member 1 (Diego blood group); minus strand). Cytogenetic location: 17q21.31.
Variant type: Indel.
Coding change: c.2299delinsCA on transcript NM_000342.4 (MANE Select); coding-DNA position 2299, G replaced by CA.
Protein change: p.Ala767fs; shifts the reading frame from alanine 767.
Molecular consequence: frameshift variant.
Genome position (GRCh38, 1-based): chr17:44,253,130, C replaced by TG on the plus strand (G replaced by CA on the coding strand, the reverse complement: SLC4A1 is on the minus strand). VCF-style: chr17-44253130-C-TG. GRCh37 (hg19) VCF-style: chr17-42330498-C-TG.
Other names: short protein forms A767fs.
Identifiers: ClinVar variation 3731023 (VCV003731023.1).